The following is an entry in ClinVar:

NM_000465.4(BARD1):c.624dup (p.Lys209fs)

Gene: BARD1 (BRCA1 associated RING domain 1; minus strand). Cytogenetic location: 2q35.
Variant type: Duplication.
Coding change: c.624dup on transcript NM_000465.4 (MANE Select); coding-DNA position 624, one base duplicated (G; older notation c.624dupG).
Protein change: p.Lys209fs; shifts the reading frame from lysine 209.
Molecular consequence: frameshift variant. On other transcripts: non-coding transcript variant (2), intron variant (3).
Genome position (GRCh38, 1-based): chr2:214,781,250, C duplicated on the plus strand (G on the coding strand, the reverse complement: BARD1 is on the minus strand). VCF-style (leftmost placement, unchanged base first): chr2-214781249-T-TC. GRCh37 (hg19) VCF-style: chr2-215645973-T-TC.
Other names: c.624dupG (NM_000465.3, NM_000465.2); c.567dup, p.Lys190fs (NM_001282543.2); c.158+28162dup (NM_001282548.2); c.215+15811dup (NM_001282545.2); c.364+11047dup (NM_001282549.2); c.624dup (NM_000465.2); short protein forms K209fs, K190fs.
Identifiers: ClinVar variation 482768 (VCV000482768.20), dbSNP rs1553622558, ClinGen allele CA658657210.

ClinVar aggregate classification (germline): Pathogenic. Review status: criteria provided, multiple submitters, no conflicts (2 of 4 stars). 7 submissions from 7 submitters: Pathogenic (7). Last evaluated 2024-12-23.

Conditions:
Familial cancer of breast. Also called: BREAST CANCER, FAMILIAL; Hereditary breast cancer; hereditary breast carcinoma. Identifiers: Orphanet 227535, MedGen C0346153, MONDO:0016419, OMIM 114480. Disease mechanism: loss of function.
Hereditary cancer-predisposing syndrome. Also called: Neoplastic Syndromes, Hereditary; Tumor predisposition; Hereditary Cancer Syndrome; Hereditary neoplastic syndrome. Identifiers: Orphanet 140162, MedGen C0027672, MeSH D009386, MONDO:0015356.

Submissions (7):

Labcorp Genetics (formerly Invitae), Labcorp
Classification: Pathogenic for Familial cancer of breast. Last evaluated: 2024-12-23. Review status: criteria provided, single submitter. Criteria: Invitae Variant Classification Sherloc (09022015). Collection method: clinical testing. Allele origin: germline.
Comment: This sequence change creates a premature translational stop signal (p.Lys209Glufs*5) in the BARD1 gene. It is expected to result in an absent or disrupted protein product. Loss-of-function variants in BARD1 are known to be pathogenic (PMID: 20077502, 21344236). This variant is not present in population databases (gnomAD no frequency). This variant has not been reported in the literature in individuals affected with BARD1-related conditions. ClinVar contains an entry for this variant (Variation ID: 482768). For these reasons, this variant has been classified as Pathogenic.

Myriad Genetics, Inc.
Classification: Pathogenic for Familial cancer of breast. Last evaluated: 2023-05-19. Review status: criteria provided, single submitter. Criteria: Myriad Autosomal Dominant, Autosomal Recessive and X-Linked Classification Criteria (2023). Collection method: clinical testing. Allele origin: unknown.
Comment: This variant is considered pathogenic. This variant creates a frameshift predicted to result in premature protein truncation.

Ambry Genetics
Classification: Pathogenic for Hereditary cancer-predisposing syndrome. Last evaluated: 2023-03-27. Review status: criteria provided, single submitter. Criteria: Ambry Variant Classification Scheme 2023. Collection method: clinical testing. Allele origin: germline.
Comment: The c.624dupG pathogenic mutation, located in coding exon 4 of the BARD1 gene, results from a duplication of G at nucleotide position 624, causing a translational frameshift with a predicted alternate stop codon (p.K209Efs*5). This alteration is expected to result in loss of function by premature protein truncation or nonsense-mediated mRNA decay. This variant is considered to be rare based on population cohorts in the Genome Aggregation Database (gnomAD). As such, this alteration is interpreted as a disease-causing mutation.

Color Diagnostics, LLC DBA Color Health
Classification: Pathogenic for Hereditary cancer-predisposing syndrome. Last evaluated: 2023-01-09. Review status: criteria provided, single submitter. Criteria: ACMG Guidelines, 2015. Collection method: clinical testing. Allele origin: germline.
Comment: This variant inserts 1 nucleotide in exon 4 of the BARD1 gene, creating a frameshift and premature translation stop signal. This variant is expected to result in an absent or non-functional protein product. This variant has been reported in an individual affected with breast cancer with family history of ovarian cancer (PMID: 31036035). This variant has not been identified in the general population by the Genome Aggregation Database (gnomAD). A different nucleotide change that results into the same protein consequence (c.623dupA, p.Lys209Glufs*5) is known to be disease-causing (ClinVar variation ID: 127742). Loss of BARD1 function is a known mechanism of disease. Based on the available evidence, this variant is classified as Pathogenic.

Baylor Genetics
Classification: Pathogenic for Familial cancer of breast. Last evaluated: 2021-06-15. Review status: criteria provided, single submitter. Criteria: ACMG Guidelines, 2015. Collection method: clinical testing. Allele origin: unknown.

Sema4
Classification: Pathogenic for Hereditary cancer-predisposing syndrome. Last evaluated: 2021-01-04. Review status: criteria provided, single submitter. Criteria: Sema4 Curation Guidelines. Collection method: curation. Allele origin: germline.
Comment: The BARD1 c.624dupG (p.K209EfsX5) variant has been reported in heterozygosity in at least 1 individual with breast cancer (PMID: 31036035). This variant causes a frameshift at amino acid 209 that results in premature termination 5 amino acids downstream. This variant is predicted to cause loss of normal protein function either through protein truncation or nonsense-mediated mRNA decay. A different nucleotide change, c.623dupA, that results into the same frameshift pathogenic variant at the protein level, has been reported in at least 4 individuals with breast or ovarian cancer (PMID: 32068069, 26315354, 27878467, 26681312). Loss of function of the BARD1 gene is an established disease mechanism in breast cancer. The c.624dupG variant is not observed in large population cohorts of Genome Aggregation Database (PMID: 27535533). Based on the current evidence available, this variant is interpreted as pathogenic.

Revvity Omics, Revvity
Classification: Pathogenic. Last evaluated: 2020-07-26. Review status: criteria provided, single submitter. Criteria: ACMG Guidelines, 2015. Collection method: clinical testing. Allele origin: germline.

Literature cited by the submitters: PubMed 20077502 (cited by Labcorp Genetics (formerly Invitae), Labcorp); PubMed 21344236 (cited by Labcorp Genetics (formerly Invitae), Labcorp); PubMed 31036035 (cited by Color Diagnostics, LLC DBA Color Health and Sema4); PubMed 32068069 (cited by Sema4); PubMed 26315354 (cited by Sema4); PubMed 27878467 (cited by Sema4); PubMed 26681312 (cited by Sema4).